The following is an entry in ClinVar:

ClinVar aggregate classification (germline): Uncertain significance (1 of 4 stars; one submission).

Conditions:
Intellectual developmental disorder, autosomal dominant 50, with behavioral abnormalities. Also called: Intellectual disability, autosomal dominant 50; MENTAL RETARDATION, AUTOSOMAL DOMINANT 50. Identifiers: MedGen C4540470, MONDO:0030916, OMIM 617787.

gnomAD v4.1: 3 of 1,613,924 alleles (0.00019%); no homozygotes.

Submission:

Neuberg Centre For Genomic Medicine, NCGM
Classification: Uncertain significance for Intellectual developmental disorder, autosomal dominant 50, with behavioral abnormalities. Last evaluated: 2023-06-22. Review status: criteria provided, single submitter. Criteria: ACMG Guidelines, 2015. Collection method: clinical testing. Allele origin: germline. Inheritance: Autosomal dominant inheritance. Affected: yes.
Comment: The missense c.2477C>T (p.Ala826Val) variant in the NAA15 gene has not been reported previously as a pathogenic variant nor as a benign variant, to our knowledge. This variant is absent in the gnomAD Exomes. The amino acid Alanine at position 826 is changed to a Valine changing protein sequence and it might alter its composition and physico-chemical properties. Computational evidence (Polyphen - Benign, SIFT - Tolerated and MutationTaster - Disease causing) predicts conflicting evidence on protein structure and function for this variant. The amino acid Alanine in NAA15 is predicted as conserved by GERP++ and PhyloP across 100 vertebrates. For these reasons, this variant has been classified as Uncertain Significance.

NM_057175.5(NAA15):c.2477C>T (p.Ala826Val)

Gene: NAA15 (N-alpha-acetyltransferase 15, NatA auxiliary subunit; plus strand). Cytogenetic location: 4q31.1.
Variant type: single nucleotide variant.
Coding change: c.2477C>T on transcript NM_057175.5 (MANE Select); coding-DNA position 2477, C replaced by T.
Protein change: p.Ala826Val; replaces alanine 826 with valine.
Molecular consequence: missense variant.
Genome position (GRCh38, 1-based): chr4:139,387,960, C>T. VCF-style: chr4-139387960-C-T. GRCh37 (hg19) VCF-style: chr4-140309114-C-T.
Other names: c.2474C>T, p.Ala825Val (NM_001410842.1); short protein forms A825V, A826V.
Identifiers: ClinVar variation 3377598 (VCV003377598.1).
Genomic context (GRCh38, chr4:139,387,960, plus strand): 5'-TGGAAGCCTTGTATGATGGTAGCCTAGGAGACTGTAAAGAAGCTGCTGAAATTTATAGAG[C>T]AAATTGTCATAAGCTTTTCCCTTATGCTTTGGCTTTCATGCCTCCTGGATATGAAGAGGA-3'
Protein context (NP_476516.1, residues 816-836): DCKEAAEIYR[Ala826Val]NCHKLFPYAL